The following is an entry in ClinVar:

NM_001377299.1(NDUFS2):c.702+4A>C

Gene: NDUFS2 (NADH:ubiquinone oxidoreductase core subunit S2; plus strand). Cytogenetic location: 1q23.3.
Variant type: single nucleotide variant.
Coding change: c.702+4A>C on transcript NM_001377299.1 (MANE Select); 4 bases into the intron after coding-DNA position 702, A replaced by C.
Molecular consequence: intron variant.
Genome position (GRCh38, 1-based): chr1:161,209,935, A>C. VCF-style: chr1-161209935-A-C. GRCh37 (hg19) VCF-style: chr1-161179725-A-C.
Other names: c.702+4A>C (NM_001377300.1, NM_001377298.1, NM_001377301.1 and 3 more transcripts).
Identifiers: ClinVar variation 507255 (VCV000507255.1), dbSNP rs987117681, ClinGen allele CA31673019.

ClinVar aggregate classification (germline): Likely benign (1 of 4 stars; one submission).

Allele frequency attached by ClinVar (database versions not stated): gnomAD exomes below 0.00001 and 0.00001; gnomAD 0.00001.
gnomAD v4.1: 11 of 1,613,856 alleles (0.00068%); highest among the groups gnomAD compares: Non-Finnish European, 0.00085%; no homozygotes.

Submission:

GeneDx
Classification: Likely benign. Last evaluated: 2017-02-07. Review status: criteria provided, single submitter. Criteria: GeneDx Variant Classification (06012015). Collection method: clinical testing. Allele origin: germline. Affected: yes.
Comment: This variant is considered likely benign or benign based on one or more of the following criteria: it is a conservative change, it occurs at a poorly conserved position in the protein, it is predicted to be benign by multiple in silico algorithms, and/or has population frequency not consistent with disease.